The following is an entry in ClinVar:

ClinVar aggregate classification (germline): Uncertain significance (1 of 4 stars; one submission).

Submission:

Labcorp Genetics (formerly Invitae), Labcorp
Classification: Uncertain significance. Last evaluated: 2024-07-24. Review status: criteria provided, single submitter. Criteria: Invitae Variant Classification Sherloc (09022015). Collection method: clinical testing. Allele origin: germline.
Comment: This sequence change replaces serine, which is neutral and polar, with threonine, which is neutral and polar, at codon 1446 of the RIMS1 protein (p.Ser1446Thr). This variant is not present in population databases (gnomAD no frequency). This variant has not been reported in the literature in individuals affected with RIMS1-related conditions. An algorithm developed to predict the effect of missense changes on protein structure and function (PolyPhen-2) suggests that this variant is likely to be disruptive. In summary, the available evidence is currently insufficient to determine the role of this variant in disease. Therefore, it has been classified as a Variant of Uncertain Significance.

NM_014989.7(RIMS1):c.4337G>C (p.Ser1446Thr)

Gene: RIMS1 (regulating synaptic membrane exocytosis 1; plus strand). Cytogenetic location: 6q13.
Variant type: single nucleotide variant.
Coding change: c.4337G>C on transcript NM_014989.7 (MANE Select); coding-DNA position 4337, G replaced by C.
Protein change: p.Ser1446Thr; replaces serine 1446 with threonine.
Molecular consequence: missense variant. On other transcripts: intron variant (24).
Genome position (GRCh38, 1-based): chr6:72,333,806, G>C. VCF-style: chr6-72333806-G-C. GRCh37 (hg19) VCF-style: chr6-73043509-G-C.
Other names: c.2225G>C, p.Ser742Thr (NM_001350441.2); c.2198G>C, p.Ser733Thr (NM_001350443.2); c.2072G>C, p.Ser691Thr (NM_001350444.2); c.2483G>C, p.Ser828Thr (NM_001350446.2); c.2144G>C, p.Ser715Thr (NM_001350447.2); c.2300G>C, p.Ser767Thr (NM_001350448.2); c.2207G>C, p.Ser736Thr (NM_001350454.2); c.2480G>C, p.Ser827Thr (NM_001350456.2); and 53 more; short protein forms S661T, S662T, S663T, S691T, S692T, S719T, S720T, S736T.
Identifiers: ClinVar variation 3660542 (VCV003660542.2).